The following is an entry in ClinVar:

ClinVar aggregate classification (germline): Pathogenic. Review status: criteria provided, multiple submitters, no conflicts (2 of 4 stars). 3 submissions from 3 submitters: Pathogenic (3). Last evaluated 2023-01-24.

Conditions:
Leukodystrophy, hypomyelinating, 7, with or without oligodontia and/or hypogonadotropic hypogonadism (HLD7). Also called: Ataxia, Delayed Dentition and Hypomyelination (ADDH); LEUKOENCEPHALOPATHY, HYPOMYELINATING, WITH ATAXIA AND DELAYED DENTITION; ATAXIA, DELAYED DENTITION, AND HYPOMYELINATION; LEUKODYSTROPHY, HYPOMYELINATING, 7, WITH OLIGODONTIA; LEUKODYSTROPHY, HYPOMYELINATING, 7, WITH OLIGODONTIA AND HYPOGONADOTROPIC HYPOGONADISM; LEUKODYSTROPHY, HYPOMYELINATING, 7, WITHOUT OLIGODONTIA OR HYPOGONADOTROPIC HYPOGONADISM. Identifiers: Orphanet 137639, Orphanet 447893, Orphanet 447896, Orphanet 77295, Orphanet 88637, MedGen CN034185, MONDO:0011897, OMIM 607694.

Allele frequency attached by ClinVar (database versions not stated): gnomAD exomes below 0.00001 and 0.00001; TOPMed below 0.00001; ExAC 0.00001.
gnomAD v4.1: 9 of 1,613,894 alleles (0.00056%); highest among the groups gnomAD compares: Non-Finnish European, 0.00076%; no homozygotes.

Submissions (3):

Broad Center for Mendelian Genomics, Broad Institute of MIT and Harvard
Classification: Pathogenic for Leukodystrophy, hypomyelinating, 7, with or without oligodontia and/or hypogonadotropic hypogonadism. Last evaluated: 2023-01-24. Review status: criteria provided, single submitter. Criteria: ACMG Guidelines, 2015. Collection method: curation. Allele origin: germline. Inheritance: Autosomal recessive inheritance.
Comment: The p.Arg351Ter variant in POLR3A has been reported in 2 individuals with POLR3A-related disorders (PMID: 34753215, 32582862), segregated with disease in 2 affected relatives from 2 families (PMID: 34753215, 32582862) and has been identified in 0.0009% (1/113228) of European (non-Finnish) chromosomes by the Genome Aggregation Database (gnomAD; dbSNP ID: rs769791060). Although this variant has been seen in the general population in a heterozygous state, its frequency is low enough to be consistent with a recessive carrier frequency. This variant has also been reported in ClinVar (Variation ID#: 684773) and has been interpreted as pathogenic by MyeliNeuroGene Lab (McGill University Health Center Research Institute) and Institute of Human Genetics (Klinikum rechts der Isar). This nonsense variant leads to a premature termination codon at position 351, which is predicted to lead to a truncated or absent protein. Loss of function of the POLR3A gene is an established disease mechanism in autosomal recessive POLR3A-related disorders. In summary, this variant meets criteria to be classified as pathogenic for autosomal recessive POLR3A-related disorders. ACMG/AMP Criteria applied: PVS1, PP1, PM2_supporting (Richards 2015).

Institute of Human Genetics Munich, TUM University Hospital
Classification: Pathogenic for Leukodystrophy, hypomyelinating, 7, with or without oligodontia and/or hypogonadotropic hypogonadism. Last evaluated: 2018-11-05. Review status: criteria provided, single submitter. Criteria: Classification criteria August 2017. Collection method: clinical testing. Allele origin: germline. Inheritance: Autosomal recessive inheritance. Affected: yes. Observed: 2 compound heterozygotes.

MyeliNeuroGene Lab, McGill University Health Center Research Institute
Classification: Pathogenic for LEUKODYSTROPHY, HYPOMYELINATING, 7, WITH OR WITHOUT OLIGODONTIA AND/OR HYPOGONADOTROPIC HYPOGONADISM; HLD7. Review status: criteria provided, single submitter. Criteria: ACMG Guidelines, 2015. Collection method: research. Allele origin: inherited. Inheritance: Autosomal recessive inheritance. Affected: no. Observed: 2 variant alleles, 2 compound heterozygotes.

Literature cited by the submitters: PubMed 614258 (cited by MyeliNeuroGene Lab, McGill University Health Center Research Institute).

NM_007055.4(POLR3A):c.1051C>T (p.Arg351Ter)

Gene: POLR3A (RNA polymerase III subunit A; minus strand). Cytogenetic location: 10q22.3.
Variant type: single nucleotide variant.
Coding change: c.1051C>T on transcript NM_007055.4 (MANE Select); coding-DNA position 1051, C replaced by T.
Protein change: p.Arg351Ter; replaces arginine 351 with a stop codon.
Molecular consequence: nonsense.
Genome position (GRCh38, 1-based): chr10:78,021,680, G>A on the plus strand (C>T on the coding strand, the complement: POLR3A is on the minus strand). VCF-style: chr10-78021680-G-A. GRCh37 (hg19) VCF-style: chr10-79781438-G-A.
Other names: NM_007055.4(POLR3A):c.1051C>T; p.Arg351Ter; short protein forms R351*.
Identifiers: ClinVar variation 684773 (VCV000684773.8), dbSNP rs769791060, ClinGen allele CA5571546.